The following is an entry in ClinVar:

NM_000179.3(MSH6):c.843_844insAC (p.Val282fs)

Gene: MSH6 (mutS homolog 6; plus strand). Cytogenetic location: 2p16.3.
Variant type: Insertion.
Coding change: c.843_844insAC on transcript NM_000179.3 (MANE Select); coding-DNA positions 843 to 844, AC inserted.
Protein change: p.Val282fs; shifts the reading frame from valine 282.
Molecular consequence: frameshift variant. On other transcripts: 5 prime UTR variant (2).
Genome position: GRCh38 VCF-style: chr2-47798826-A-AAC. GRCh37 (hg19) VCF-style: chr2-48025965-A-AAC.
Other names: c.546_547insAC, p.Val183Thrfs (NM_001406805.1, NM_001406818.1, NM_001406819.1 and 10 more transcripts); c.318_319insAC, p.Val107Thrfs (NM_001406806.1, NM_001406807.1, NM_001406799.1); c.843_844insAC, p.Val282Thrfs (NM_001406808.1, NM_001406809.1, NM_001406817.1 and 4 more transcripts); c.-64_-63insAC (NM_001406811.1, NM_001406812.1, NM_001406814.1 and 6 more transcripts); c.849_850insAC, p.Val284Thrfs (NM_001406813.1); c.675_676insAC, p.Val226Thrfs (NM_001406826.1); c.453_454insAC, p.Val152fs (NM_001281492.2); c.939_940insAC, p.Val314Thrfs (NM_001406795.1, NM_001406802.1); and 1 more; short protein forms V152fs, V282fs.
Identifiers: ClinVar variation 1763360 (VCV001763360.21), dbSNP rs752540976, ClinGen allele CA073497.
Genomic context (GRCh38, chr2:47,798,826, plus strand): 5'-TGATGTGGAATTTAAGCCAGACACTAAGGAGGAAGGAAGCAGTGATGAAATAAGCAGTGG[A>AAC]GTGGGGGATAGTGAGAGTGAAGGCCTGAACAGCCCTGTCAAAGTTGCTCGAAAGCGGAAG-3'

ClinVar aggregate classification (germline): Pathogenic. Review status: criteria provided, multiple submitters, no conflicts (2 of 4 stars). 4 submissions from 4 submitters: Pathogenic (3). 1 of the submissions does not count toward it. Last evaluated 2025-08-12.

Conditions:
Hereditary cancer-predisposing syndrome. Also called: Neoplastic Syndromes, Hereditary; Tumor predisposition; Hereditary Cancer Syndrome; Hereditary neoplastic syndrome. Identifiers: Orphanet 140162, MedGen C0027672, MeSH D009386, MONDO:0015356.
Lynch syndrome 5 (LYNCH5). Also called: Colorectal cancer, hereditary nonpolyposis, type 5; Hereditary non-polyposis colorectal cancer, type 5. Identifiers: Orphanet 144, MedGen C1833477, MONDO:0013710, OMIM 614350. Disease mechanism: loss of function.

Allele frequency attached by ClinVar (database versions not stated): gnomAD exomes below 0.00001; ExAC 0.00001.

Submissions (4):

Color Diagnostics, LLC DBA Color Health
Classification: Pathogenic for Hereditary cancer-predisposing syndrome. Last evaluated: 2025-08-12. Review status: criteria provided, single submitter. Criteria: ACMG Guidelines, 2015. Collection method: clinical testing. Allele origin: germline.
Comment: This variant inserts 2 nucleotides in exon 4 of the MSH6 gene, creating a frameshift and premature translation stop signal. This variant is expected to result in an absent or non-functional protein product. This variant has been reported in an individual affected with colorectal cancer, with tumor showing microsatellite instability and mismatch repair deficiency (PMID: 28466842, 30877237) and in an individual affected with endometrial cancer (PMID: 28452373). This variant has not been identified in the general population by the Genome Aggregation Database (gnomAD). Loss of MSH6 function is a known mechanism of disease. Based on the available evidence, this variant is classified as Pathogenic.

Myriad Genetics, Inc.
Classification: Pathogenic for Lynch syndrome 5. Last evaluated: 2023-08-10. Review status: criteria provided, single submitter. Criteria: Myriad Autosomal Dominant, Autosomal Recessive and X-Linked Classification Criteria (2023). Collection method: clinical testing. Allele origin: unknown.
Comment: This variant is considered pathogenic. This variant creates a frameshift predicted to result in premature protein truncation.

Ambry Genetics
Classification: Pathogenic for Hereditary cancer-predisposing syndrome. Last evaluated: 2022-12-15. Review status: criteria provided, single submitter. Criteria: Ambry Variant Classification Scheme 2023. Collection method: clinical testing. Allele origin: germline.
Comment: The c.843_844insAC variant, located in coding exon 4 of the MSH6 gene, results from an insertion of two nucleotides at position 843, causing a translational frameshift with a predicted alternate stop codon (p.V282Tfs*10). In addition to the clinical data presented in the literature, this alteration is expected to result in loss of function by premature protein truncation or nonsense-mediated mRNA decay. As such, this alteration is interpreted as a disease-causing mutation.

deCODE genetics, Amgen
Classification: Likely pathogenic for Lynch syndrome 5. Last evaluated: 2023-07-21. Review status: no assertion criteria provided. Collection method: research. Allele origin: germline. Affected: yes. Observed: 10 variant alleles. Not counted in ClinVar's aggregate classification.
Comment: The variant NM_000179.3:c.843_844insAC (chr2:47798826) in MSH6 was detected in 5 heterozygotes out of 58K WGS Icelanders (MAF= 0,004%). This variant has not been reported in ClinVar previously. Based on ACMG criteria (PVS1, PM2) this variant classifies as likely pathogenic.

Literature cited by the submitters: PubMed 28452373 (cited by Color Diagnostics, LLC DBA Color Health); PubMed 28466842 (cited by Color Diagnostics, LLC DBA Color Health and Ambry Genetics); PubMed 30877237 (cited by Color Diagnostics, LLC DBA Color Health).